The following is an entry in ClinVar:

ClinVar aggregate classification (germline): Likely benign (1 of 4 stars; one submission).

Allele frequency attached by ClinVar (database versions not stated): gnomAD exomes below 0.00001.
gnomAD v4.1: 1 of 1,614,108 alleles (0.000062%); highest among the groups gnomAD compares: Admixed American, 0.0017%; no homozygotes.

Submission:

Laboratory for Molecular Medicine, Mass General Brigham Personalized Medicine
Classification: Likely benign. Last evaluated: 2015-11-12. Review status: criteria provided, single submitter. Criteria: LMM Criteria. Collection method: clinical testing. Allele origin: germline. Observed: 1 variant allele.
Comment: p.Arg1363Lys in exon 13 of MYO3A: This variant is not expected to have clinical significance due to a lack of conservation across species, including mammals. Of note, five mammals have a Lysine (K) at this position. In addition, computation al prediction tools do not suggest a high likelihood of impact to the protein.

NM_017433.5(MYO3A):c.4088G>A (p.Arg1363Lys)

Gene: MYO3A (myosin IIIA; plus strand). Cytogenetic location: 10p12.1.
Variant type: single nucleotide variant.
Coding change: c.4088G>A on transcript NM_017433.5 (MANE Select); coding-DNA position 4088, G replaced by A.
Protein change: p.Arg1363Lys; replaces arginine 1363 with lysine.
Molecular consequence: missense variant.
Genome position (GRCh38, 1-based): chr10:26,174,352, G>A. VCF-style: chr10-26174352-G-A. GRCh37 (hg19) VCF-style: chr10-26463281-G-A.
Other names: short protein forms R1363K.
Identifiers: ClinVar variation 227669 (VCV000227669.4), dbSNP rs876657530, ClinGen allele CA10576786.
Genomic context (GRCh38, chr10:26,174,352, plus strand): 5'-AGGAGGAAGAAGATAAAGCAGCGGTATTCATTCAGAGCAAATACCGGGGTTACAAGAGAA[G>A]GCAGCAGTTGAGGAAGGACAAGATGTCTTCTTTTAAGCATCAGAGGATTGTCACAACACC-3'
Protein context (NP_059129.3, residues 1353-1373): IQSKYRGYKR[Arg1363Lys]QQLRKDKMSS